The following is an entry in ClinVar:

NM_201525.4(ADGRG1):c.*791C>T

Gene: ADGRG1 (adhesion G protein-coupled receptor G1; plus strand). Cytogenetic location: 16q21.
Variant type: single nucleotide variant.
Coding change: c.*791C>T on transcript NM_201525.4 (MANE Select); 791 bases downstream of the stop codon, C replaced by T.
Molecular consequence: 3 prime UTR variant.
Genome position (GRCh38, 1-based): chr16:57,664,373, C>T. VCF-style: chr16-57664373-C-T. GRCh37 (hg19) VCF-style: chr16-57698285-C-T.
Other names: c.*791C>T (NM_001145770.3, NM_001145771.3, NM_001145772.3 and 25 more transcripts).
Identifiers: ClinVar variation 886917 (VCV000886917.4), dbSNP rs57937322, ClinGen allele CA281584362.
Genomic context (GRCh38, chr16:57,664,373, plus strand): 5'-CTGCTGTAAATGTTTGTCTACTGCACAAGCCTCGGCCTGCCCCTGAGCCAGGCTCGGTAC[C>T]GATGCGTGGGCTGGGCTAGGTCCCTCTGTCCATCTGGGCCTTTGTATGAGCTGCATTGCC-3'

ClinVar aggregate classification (germline): Benign (1 of 4 stars; one submission).

Conditions:
Bilateral frontoparietal polymicrogyria. Also called: CEREBELLAR ATAXIA WITH NEURONAL MIGRATION DEFECT; CORTICAL DYSPLASIA, COMPLEX, WITH OTHER BRAIN MALFORMATIONS 14A (BILATERAL FRONTOPARIETAL). Identifiers: Orphanet 101070, MedGen C1847352, MONDO:0011738, OMIM 606854.

Allele frequency attached by ClinVar (database versions not stated): gnomAD exomes 0.01000; gnomAD 0.03538 and 0.03758; 1000 Genomes Project 0.03834; TOPMed 0.04002; 1000 Genomes Project 30x 0.04138.
gnomAD v4.1: 5,334 of 152,466 alleles (3.5%); highest among the groups gnomAD compares: African/African-American, 12%; 318 homozygotes.

Submission:

Illumina Laboratory Services, Illumina
Classification: Benign for Bilateral frontoparietal polymicrogyria. Last evaluated: 2018-01-12. Review status: criteria provided, single submitter. Criteria: ICSL Variant Classification Criteria 13 December 2019. Collection method: clinical testing. Allele origin: germline.
Comment: This variant was observed in the ICSL laboratory as part of a predisposition screen in an ostensibly healthy population. It had not been previously curated by ICSL or reported in the Human Gene Mutation Database (HGMD: prior to June 1st, 2018), and was therefore a candidate for classification through an automated scoring system. Utilizing variant allele frequency, disease prevalence and penetrance estimates, and inheritance mode, an automated score was calculated to assess if this variant is too frequent to cause the disease. Based on the score and internal cut-off values, a variant classified as benign is not then subjected to further curation. The score for this variant resulted in a classification of benign for this disease.